The following is an entry in ClinVar:

NM_000093.5(COL5A1):c.3344C>T (p.Pro1115Leu)

Gene: COL5A1 (collagen type V alpha 1 chain; plus strand). Cytogenetic location: 9q34.3.
Variant type: single nucleotide variant.
Coding change: c.3344C>T on transcript NM_000093.5 (MANE Select); coding-DNA position 3344, C replaced by T.
Protein change: p.Pro1115Leu; replaces proline 1115 with leucine.
Molecular consequence: missense variant.
Genome position (GRCh38, 1-based): chr9:134,806,274, C>T. VCF-style: chr9-134806274-C-T. GRCh37 (hg19) VCF-style: chr9-137698120-C-T.
Other names: c.3344C>T, p.Pro1115Leu (NM_001278074.1); short protein forms P1115L.
Identifiers: ClinVar variation 288322 (VCV000288322.18), dbSNP rs139039658, ClinGen allele CA10606049.
Genomic context (GRCh38, chr9:134,806,274, plus strand): 5'-CTGGAGCCGCTGGGCCCATCGGAATTCCAGGGAGACCTGGGCCCCAGGGACCCCCAGGGC[C>T]GGCAGGAGAGAAAGGGGCTCCTGTAAGTACTGCCTTGGATTGGGGGAGCCCTTCCCTCAG-3'
Protein context (NP_000084.3, residues 1105-1125): GRPGPQGPPG[Pro1115Leu]AGEKGAPGEK

ClinVar aggregate classification (germline): Conflicting classifications of pathogenicity. Review status: criteria provided, conflicting classifications (1 of 4 stars). 5 submissions from 5 submitters: Uncertain significance (4); Likely benign (1). Last evaluated 2025-11-19.

Conditions:
Ehlers-Danlos syndrome, classic type, 1 (EDSCL1). Also called: Ehlers-Danlos syndrome, type 1; EHLERS-DANLOS SYNDROME, GRAVIS TYPE; EHLERS-DANLOS SYNDROME, SEVERE CLASSIC TYPE; Ehlers-Danlos Syndrome, Classic Type, COL5A1-Related; EDS I. Identifiers: MedGen C0268335, MONDO:0019567, OMIM 130000.
Familial thoracic aortic aneurysm and aortic dissection (TAAD). Also called: Thoracic aortic aneurysms and dissections. Identifiers: Orphanet 91387, MedGen C4707243, MONDO:0019625.

Allele frequency attached by ClinVar (database versions not stated): gnomAD exomes 0.00004 and 0.00001; TOPMed 0.00005; 1000 Genomes Project 30x 0.00016; gnomAD 0.00001.
gnomAD v4.1: 14 of 1,549,274 alleles (0.0009%); highest among the groups gnomAD compares: East Asian, 0.0073%; no homozygotes.

Submissions (5):

Labcorp Genetics (formerly Invitae), Labcorp
Classification: Likely benign for Ehlers-Danlos syndrome, classic type, 1. Last evaluated: 2025-11-19. Review status: criteria provided, single submitter. Criteria: Invitae Variant Classification Sherloc (09022015). Collection method: clinical testing. Allele origin: germline.

Women's Health and Genetics/Laboratory Corporation of America, LabCorp
Classification: Uncertain significance. Last evaluated: 2025-06-26. Review status: criteria provided, single submitter. Criteria: LabCorp Variant Classification Summary - May 2015. Collection method: clinical testing. Allele origin: germline.
Comment: Variant summary: COL5A1 c.3344C>T (p.Pro1115Leu) results in a non-conservative amino acid change in the encoded protein sequence. Algorithms developed to predict the effect of missense changes on protein structure and function all suggest that this variant is likely to be disruptive. The variant allele was found at a frequency of 3.9e-05 in 153730 control chromosomes (gnomAD). The available data on variant occurrences in the general population are insufficient to allow any conclusion about variant significance. c.3344C>T has been observed in at least one individual affected with thoracic aortic aneurysm and dissection bicuspid aortic valve (Renner_2019). The report does not provide unequivocal conclusions about association of the variant with Ehlers-Danlos syndrome, classic type, Ehlers-Danlos syndrome, classic type, 1. To our knowledge, no experimental evidence demonstrating an impact on protein function has been reported. The following publications have been ascertained in the context of this evaluation (PMID: 33189937, 30675029, 33726816). ClinVar contains an entry for this variant (Variation ID: 288322). Based on the evidence outlined above, the variant was classified as uncertain significance.

GeneDx
Classification: Uncertain significance. Last evaluated: 2025-05-20. Review status: criteria provided, single submitter. Criteria: GeneDx Variant Classification Process June 2021. Collection method: clinical testing. Allele origin: germline. Affected: yes.
Comment: Observed heterozygous in one individual in an aortopathies study; a variant in the MYLK gene was also identified in this individual (PMID: 30675029); In silico analysis supports that this missense variant has a deleterious effect on protein structure/function; Occurs in the triple helical domain at the X position in the canonical Gly-X-Y repeat; although this variant may have an effect on normal protein folding and function, missense substitution at the X position is not a common mechanism of disease (HGMD, PMID: 22696272); This variant is associated with the following publications: (PMID: 33726816, 22696272, 30675029)

Ambry Genetics
Classification: Uncertain significance for Familial thoracic aortic aneurysm and aortic dissection. Last evaluated: 2025-03-13. Review status: criteria provided, single submitter. Criteria: Ambry Variant Classification Scheme 2023. Collection method: clinical testing. Allele origin: germline.
Comment: The p.P1115L variant (also known as c.3344C>T), located in coding exon 42 of the COL5A1 gene, results from a C to T substitution at nucleotide position 3344. The proline at codon 1115 is replaced by leucine, an amino acid with similar properties. This variant was reported in individual(s) with features consistent with thoracic aortic aneurysm and dissection (TAAD) (Renner S et al. Genet Med, 2019 Aug;21:1832-1841). This amino acid position is highly conserved in available vertebrate species. In addition, the in silico prediction for this alteration is inconclusive. Based on the available evidence, the clinical significance of this variant remains unclear.

Eurofins Ntd Llc (ga)
Classification: Uncertain significance. Last evaluated: 2016-05-27. Review status: criteria provided, single submitter. Criteria: EGL Classification Definitions 2015. Collection method: clinical testing. Allele origin: germline. Observed: 1 variant allele, 1 heterozygote.

Literature cited by the submitters: PubMed 30675029 (cited by Women's Health and Genetics/Laboratory Corporation of America, LabCorp and Ambry Genetics); PubMed 33726816 (cited by Women's Health and Genetics/Laboratory Corporation of America, LabCorp); PubMed 33189937 (cited by Women's Health and Genetics/Laboratory Corporation of America, LabCorp).